The following is an entry in ClinVar:

NM_006270.5(RRAS):c.289T>C (p.Tyr97His)

Gene: RRAS (RAS related; minus strand). Cytogenetic location: 19q13.33.
Variant type: single nucleotide variant.
Coding change: c.289T>C on transcript NM_006270.5 (MANE Select); coding-DNA position 289, T replaced by C.
Protein change: p.Tyr97His; replaces tyrosine 97 with histidine.
Molecular consequence: missense variant.
Genome position (GRCh38, 1-based): chr19:49,636,879, A>G on the plus strand (T>C on the coding strand, the complement: RRAS is on the minus strand). VCF-style: chr19-49636879-A-G. GRCh37 (hg19) VCF-style: chr19-50140136-A-G.
Other names: c.289T>C (NM_006270.3); short protein forms Y97H.
Identifiers: ClinVar variation 2733390 (VCV002733390.4), dbSNP rs747390514, ClinGen allele CA9579079.

ClinVar aggregate classification (germline): Uncertain significance. Review status: criteria provided, multiple submitters, no conflicts (2 of 4 stars). 2 submissions from 2 submitters: Uncertain significance (2). Last evaluated 2026-01-02.

Conditions:
Noonan syndrome (NS). Also called: Noonan's syndrome. Identifiers: Orphanet 648, MedGen C0028326, MeSH D009634, MONDO:0018997. Disease mechanism: gain of function.

Allele frequency attached by ClinVar (database versions not stated): TOPMed 0.00001; gnomAD exomes 0.00002; gnomAD 0.00003; ExAC 0.00004.
gnomAD v4.1: 34 of 1,613,496 alleles (0.0021%); highest among the groups gnomAD compares: South Asian, 0.024%; no homozygotes.

Submissions (2):

Ambry Genetics
Classification: Uncertain significance. Last evaluated: 2026-01-02. Review status: criteria provided, single submitter. Criteria: Ambry Variant Classification Scheme 2023. Collection method: clinical testing. Allele origin: germline.
Comment: The p.Y97H variant (also known as c.289T>C), located in coding exon 3 of the RRAS gene, results from a T to C substitution at nucleotide position 289. The tyrosine at codon 97 is replaced by histidine, an amino acid with similar properties. This amino acid position is conserved. In addition, this alteration is predicted to be deleterious by in silico analysis. Based on the available evidence, the clinical significance of this variant remains unclear.

Labcorp Genetics (formerly Invitae), Labcorp
Classification: Uncertain significance for Noonan syndrome. Last evaluated: 2022-12-25. Review status: criteria provided, single submitter. Criteria: Invitae Variant Classification Sherloc (09022015). Collection method: clinical testing. Allele origin: germline.
Comment: Algorithms developed to predict the effect of missense changes on protein structure and function (SIFT, PolyPhen-2, Align-GVGD) all suggest that this variant is likely to be disruptive. This sequence change replaces tyrosine, which is neutral and polar, with histidine, which is basic and polar, at codon 97 of the RRAS protein (p.Tyr97His). This variant is present in population databases (rs747390514, gnomAD 0.01%). This variant has not been reported in the literature in individuals affected with RRAS-related conditions. In summary, the available evidence is currently insufficient to determine the role of this variant in disease. Therefore, it has been classified as a Variant of Uncertain Significance.